The following is an entry in ClinVar:

NM_001077418.3(TMEM231):c.621C>G (p.Asp207Glu)

Gene: TMEM231 (transmembrane protein 231; minus strand). Cytogenetic location: 16q23.1.
Variant type: single nucleotide variant.
Coding change: c.621C>G on transcript NM_001077418.3 (MANE Select); coding-DNA position 621, C replaced by G.
Protein change: p.Asp207Glu; replaces aspartic acid 207 with glutamic acid.
Molecular consequence: missense variant. On other transcripts: non-coding transcript variant (1).
Genome position (GRCh38, 1-based): chr16:75,542,645, G>C on the plus strand (C>G on the coding strand, the complement: TMEM231 is on the minus strand). VCF-style: chr16-75542645-G-C. GRCh37 (hg19) VCF-style: chr16-75576543-G-C.
Other names: c.780C>G, p.Asp260Glu (NM_001077416.2); c.708C>G (NM_001077416.1); short protein forms D207E, D260E.
Identifiers: ClinVar variation 1059988 (VCV001059988.14), dbSNP rs372018476, ClinGen allele CA8176108.

ClinVar aggregate classification (germline): Conflicting classifications of pathogenicity. Review status: criteria provided, conflicting classifications (1 of 4 stars). 6 submissions from 6 submitters: Uncertain significance (5); Likely benign (1). Last evaluated 2025-11-05.

Conditions:
Joubert syndrome 20 (JBTS20). Identifiers: Orphanet 475, MedGen C3554235, MONDO:0013994, OMIM 614970.
Meckel syndrome, type 11 (MKS11). Identifiers: Orphanet 564, MedGen C3809352, MONDO:0014164, OMIM 615397.
Inborn genetic diseases. Identifiers: MedGen C0950123, MeSH D030342.

Allele frequency attached by ClinVar (database versions not stated): gnomAD exomes 0.00002 and 0.00005; ExAC 0.00006; gnomAD 0.00011 and 0.00012; TOPMed 0.00017; ESP Exome Variant Server 0.00024.
gnomAD v4.1: 56 of 1,613,946 alleles (0.0035%); highest among the groups gnomAD compares: African/African-American, 0.044%; no homozygotes.

Submissions (6):

Labcorp Genetics (formerly Invitae), Labcorp
Classification: Uncertain significance for Joubert syndrome 20; Meckel syndrome, type 11. Last evaluated: 2025-11-05. Review status: criteria provided, single submitter. Criteria: Invitae Variant Classification Sherloc (09022015). Collection method: clinical testing. Allele origin: germline.
Comment: This sequence change replaces aspartic acid, which is acidic and polar, with glutamic acid, which is acidic and polar, at codon 260 of the TMEM231 protein (p.Asp260Glu). This variant is present in population databases (rs372018476, gnomAD 0.05%). This variant has not been reported in the literature in individuals affected with TMEM231-related conditions. ClinVar contains an entry for this variant (Variation ID: 1059988). Experimental studies and prediction algorithms are not available or were not evaluated, and the functional significance of this variant is currently unknown. In summary, the available evidence is currently insufficient to determine the role of this variant in disease. Therefore, it has been classified as a Variant of Uncertain Significance.

Ambry Genetics
Classification: Uncertain significance for Inborn genetic diseases. Last evaluated: 2025-02-19. Review status: criteria provided, single submitter. Criteria: Ambry Variant Classification Scheme 2023. Collection method: clinical testing. Allele origin: germline.

Blueprint Genetics
Classification: Likely benign. Last evaluated: 2024-11-12. Review status: criteria provided, single submitter. Criteria: ACMG Guidelines, 2015. Collection method: clinical testing. Allele origin: germline.

Fulgent Genetics
Classification: Uncertain significance for Joubert syndrome 20; Meckel syndrome, type 11. Last evaluated: 2024-04-03. Review status: criteria provided, single submitter. Criteria: ACMG Guidelines, 2015. Collection method: clinical testing. Allele origin: germline.

GeneDx
Classification: Uncertain significance. Last evaluated: 2023-06-02. Review status: criteria provided, single submitter. Criteria: GeneDx Variant Classification Process June 2021. Collection method: clinical testing. Allele origin: germline. Affected: yes.
Comment: In silico analysis supports that this missense variant does not alter protein structure/function; Has not been previously published as pathogenic or benign to our knowledge

New York Genome Center
Classification: Uncertain significance for Meckel syndrome, type 11; Joubert syndrome 20. Last evaluated: 2021-06-04. Review status: criteria provided, single submitter. Criteria: NYGC Assertion Criteria 2020. Collection method: clinical testing. Allele origin: germline. Observed: 1 homozygote. Study: CSER-NYCKidSeq.